The following is an entry in ClinVar:

ClinVar aggregate classification (germline): Uncertain significance (1 of 4 stars; one submission).

Submission:

GeneDx
Classification: Uncertain significance. Last evaluated: 2023-12-12. Review status: criteria provided, single submitter. Criteria: GeneDx Variant Classification Process June 2021. Collection method: clinical testing. Allele origin: germline. Affected: yes.
Comment: Has not been previously published as pathogenic or benign to our knowledge; Not observed at significant frequency in large population cohorts (gnomAD); In silico analysis supports that this missense variant has a deleterious effect on protein structure/function

NM_002430.3(MN1):c.3611C>G (p.Ser1204Cys)

Gene: MN1 (MN1 proto-oncogene, transcriptional regulator; minus strand). Cytogenetic location: 22q12.1.
Variant type: single nucleotide variant.
Coding change: c.3611C>G on transcript NM_002430.3 (MANE Select); coding-DNA position 3611, C replaced by G.
Protein change: p.Ser1204Cys; replaces serine 1204 with cysteine.
Molecular consequence: missense variant.
Genome position (GRCh38, 1-based): chr22:27,796,933, G>C on the plus strand (C>G on the coding strand, the complement: MN1 is on the minus strand). VCF-style: chr22-27796933-G-C. GRCh37 (hg19) VCF-style: chr22-28192921-G-C.
Other names: short protein forms S1204C.
Identifiers: ClinVar variation 3365549 (VCV003365549.1).